The following is an entry in ClinVar:

NM_001123385.2(BCOR):c.2691G>T (p.Ser897=)

Gene: BCOR (BCL6 corepressor; minus strand). Cytogenetic location: Xp11.4.
Variant type: single nucleotide variant.
Coding change: c.2691G>T on transcript NM_001123385.2 (MANE Select); coding-DNA position 2691, G replaced by T.
Protein change: p.Ser897=; no amino-acid change (serine 897 retained).
Molecular consequence: synonymous variant.
Genome position (GRCh38, 1-based): chrX:40,072,655, C>A on the plus strand (G>T on the coding strand, the complement: BCOR is on the minus strand). VCF-style: chrX-40072655-C-A. GRCh37 (hg19) VCF-style: chrX-39931908-C-A.
Other names: c.2691G>T, p.Ser897= (NM_001123383.2, NM_001123384.2, NM_017745.6).
Identifiers: ClinVar variation 2182685 (VCV002182685.29), dbSNP rs3810693, ClinGen allele CA10386753.

ClinVar aggregate classification (germline): Benign/Likely benign. Review status: criteria provided, multiple submitters, no conflicts (2 of 4 stars). 3 submissions from 3 submitters: Benign (1); Likely benign (2). Last evaluated 2024-11-04.

Conditions:
Oculofaciocardiodental syndrome (MCOPS2). Identifiers: Orphanet 2712, MedGen C1846265, MONDO:0010261, OMIM 300166.

Allele frequency attached by ClinVar (database versions not stated): 1000 Genomes Project 30x 0.00021; 1000 Genomes Project 0.00026.
gnomAD v4.1: 234 of 1,210,445 alleles (0.019%); highest among the groups gnomAD compares: South Asian, 0.019%; no homozygotes.

Submissions (3):

Labcorp Genetics (formerly Invitae), Labcorp
Classification: Benign for Oculofaciocardiodental syndrome. Last evaluated: 2024-11-04. Review status: criteria provided, single submitter. Criteria: Invitae Variant Classification Sherloc (09022015). Collection method: clinical testing. Allele origin: germline.

Blueprint Genetics
Classification: Likely benign. Last evaluated: 2024-09-03. Review status: criteria provided, single submitter. Criteria: ACMG Guidelines, 2015. Collection method: clinical testing. Allele origin: germline.

CeGaT Center for Human Genetics Tuebingen
Classification: Likely benign. Last evaluated: 2023-04-01. Review status: criteria provided, single submitter. Criteria: CeGaT Center For Human Genetics Tuebingen Variant Classification Criteria Version 2. Collection method: clinical testing. Allele origin: germline. Affected: yes. Observed: 1 variant allele.
Comment: BCOR: BP4, BP7, BS2